The following is an entry in ClinVar:

ClinVar aggregate classification (germline): Uncertain significance (1 of 4 stars; one submission).

Conditions:
Hereditary pancreatitis (PCTT). Also called: PRSS1-Related Hereditary Pancreatitis; Hereditary chronic pancreatitis. Identifiers: Orphanet 676, MedGen C0238339, MONDO:0008185, OMIM 167800.

Submission:

Ambry Genetics
Classification: Uncertain significance for Hereditary pancreatitis. Last evaluated: 2022-07-05. Review status: criteria provided, single submitter. Criteria: Ambry Variant Classification Scheme 2023. Collection method: clinical testing. Allele origin: germline.
Comment: The p.E273D variant (also known as c.819G>C), located in coding exon 8 of the CPA1 gene, results from a G to C substitution at nucleotide position 819. The glutamic acid at codon 273 is replaced by aspartic acid, an amino acid with highly similar properties. This amino acid position is conserved. In addition, this alteration is predicted to be tolerated by in silico analysis. Since supporting evidence is limited at this time, the clinical significance of this alteration remains unclear.

NM_001868.4(CPA1):c.819G>C (p.Glu273Asp)

Gene: CPA1 (carboxypeptidase A1; plus strand). Cytogenetic location: 7q32.2.
Variant type: single nucleotide variant.
Coding change: c.819G>C on transcript NM_001868.4 (MANE Select); coding-DNA position 819, G replaced by C.
Protein change: p.Glu273Asp; replaces glutamic acid 273 with aspartic acid.
Molecular consequence: missense variant.
Genome position (GRCh38, 1-based): chr7:130,385,177, G>C. VCF-style: chr7-130385177-G-C. GRCh37 (hg19) VCF-style: chr7-130025018-G-C.
Other names: short protein forms E273D.
Identifiers: ClinVar variation 1762390 (VCV001762390.2), dbSNP rs2536012079, ClinGen allele CA369283303.